The following is an entry in ClinVar:

NM_001399.5(EDA):c.924+7A>G

Gene: EDA (ectodysplasin A; plus strand). Cytogenetic location: Xq13.1.
Variant type: single nucleotide variant.
Coding change: c.924+7A>G on transcript NM_001399.5 (MANE Select); 7 bases into the intron after coding-DNA position 924, A replaced by G.
Molecular consequence: intron variant.
Genome position (GRCh38, 1-based): chrX:70,033,535, A>G. VCF-style: chrX-70033535-A-G. GRCh37 (hg19) VCF-style: chrX-69253385-A-G.
Other names: c.918+13A>G (NM_001005609.2); c.882+49A>G (NM_001440762.1); c.915+7A>G (NM_001440761.1); c.909+13A>G (NM_001005612.3).
Identifiers: ClinVar variation 4710854 (VCV004710854.2).

ClinVar aggregate classification (germline): Conflicting classifications of pathogenicity. Review status: criteria provided, conflicting classifications (1 of 4 stars). 2 submissions from 2 submitters: Likely pathogenic (1); Uncertain significance (1). Last evaluated 2026-01-02.

Conditions:
Hypohidrotic X-linked ectodermal dysplasia (XHED). Also called: ECTODERMAL DYSPLASIA 1; Ectodermal Dysplasia 1, Anhidrotic; ECTODERMAL DYSPLASIA, HYPOHIDROTIC, 1; CST SYNDROME; Anhidrotic ectodermal dysplasia X-linked; Christ Siemens Touraine syndrome. Identifiers: Orphanet 181, Orphanet 238468, MedGen C0162359, MONDO:0010585, OMIM 305100.

Submissions (2):

Labcorp Genetics (formerly Invitae), Labcorp
Classification: Likely pathogenic for Hypohidrotic X-linked ectodermal dysplasia. Last evaluated: 2026-01-02. Review status: criteria provided, single submitter. Criteria: Invitae Variant Classification Sherloc (09022015). Collection method: clinical testing. Allele origin: germline.
Comment: This sequence change falls in intron 7 of the EDA gene. It does not directly change the encoded amino acid sequence of the EDA protein. This variant is not present in population databases (gnomAD no frequency). This variant has been observed in individual(s) with ectodermal dysplasia (PMID: 35923710). It has also been observed to segregate with disease in related individuals. Algorithms developed to predict the effect of sequence changes on RNA splicing suggest that this variant may disrupt the consensus splice site. In summary, the currently available evidence indicates that the variant is pathogenic, but additional data are needed to prove that conclusively. Therefore, this variant has been classified as Likely Pathogenic.

Blueprint Genetics
Classification: Uncertain significance. Last evaluated: 2021-10-05. Review status: criteria provided, single submitter. Criteria: ACMG Guidelines, 2015. Collection method: clinical testing. Allele origin: germline.

Literature cited by the submitters: PubMed 35923710 (cited by Labcorp Genetics (formerly Invitae), Labcorp).